The following is an entry in ClinVar:

NM_000051.4(ATM):c.2558C>T (p.Ser853Leu)

Gene: ATM (ATM serine/threonine kinase; plus strand). Cytogenetic location: 11q22.3.
Variant type: single nucleotide variant.
Coding change: c.2558C>T on transcript NM_000051.4 (MANE Select); coding-DNA position 2558, C replaced by T.
Protein change: p.Ser853Leu; replaces serine 853 with leucine.
Molecular consequence: missense variant.
Genome position (GRCh38, 1-based): chr11:108,267,262, C>T. VCF-style: chr11-108267262-C-T. GRCh37 (hg19) VCF-style: chr11-108137989-C-T.
Other names: c.2558C>T, p.Ser853Leu (NM_001351834.2); short protein forms S853L.
Identifiers: ClinVar variation 524422 (VCV000524422.13), dbSNP rs1555082235, ClinGen allele CA382543782.

ClinVar aggregate classification (germline): Uncertain significance. Review status: criteria provided, multiple submitters, no conflicts (2 of 4 stars). 3 submissions from 3 submitters: Uncertain significance (2). 1 of the submissions does not count toward it. Last evaluated 2022-08-09.

Conditions:
Hereditary cancer-predisposing syndrome. Also called: Neoplastic Syndromes, Hereditary; Tumor predisposition; Hereditary Cancer Syndrome; Hereditary neoplastic syndrome. Identifiers: Orphanet 140162, MedGen C0027672, MeSH D009386, MONDO:0015356.
Ataxia-telangiectasia syndrome (AT). Also called: ATAXIA-TELANGIECTASIA, COMPLEMENTATION GROUP A; ATAXIA-TELANGIECTASIA, FRESNO VARIANT; Ataxia-telangiectasia; Ataxia-telangiectasia, complementation group D; AT, COMPLEMENTATION GROUP C; Ataxia-telangiectasia, complementation group E. Identifiers: Orphanet 100, MedGen C0004135, MONDO:0008840, OMIM 208900.

Allele frequency attached by ClinVar (database versions not stated): gnomAD exomes below 0.00001.
gnomAD v4.1: 1 of 1,614,030 alleles (0.000062%); highest among the groups gnomAD compares: East Asian, 0.0022%; no homozygotes.

Submissions (3):

Labcorp Genetics (formerly Invitae), Labcorp
Classification: Uncertain significance for Ataxia-telangiectasia syndrome. Last evaluated: 2022-08-09. Review status: criteria provided, single submitter. Criteria: Invitae Variant Classification Sherloc (09022015). Collection method: clinical testing. Allele origin: germline.
Comment: In summary, the available evidence is currently insufficient to determine the role of this variant in disease. Therefore, it has been classified as a Variant of Uncertain Significance. Advanced modeling of protein sequence and biophysical properties (such as structural, functional, and spatial information, amino acid conservation, physicochemical variation, residue mobility, and thermodynamic stability) performed at Invitae indicates that this missense variant is not expected to disrupt ATM protein function. ClinVar contains an entry for this variant (Variation ID: 524422). This variant has not been reported in the literature in individuals affected with ATM-related conditions. This variant is not present in population databases (gnomAD no frequency). This sequence change replaces serine, which is neutral and polar, with leucine, which is neutral and non-polar, at codon 853 of the ATM protein (p.Ser853Leu).

Ambry Genetics
Classification: Uncertain significance for Hereditary cancer-predisposing syndrome. Last evaluated: 2015-10-11. Review status: criteria provided, single submitter. Criteria: Ambry Variant Classification Scheme 2023. Collection method: clinical testing. Allele origin: germline.
Comment: The p.S853L variant (also known as c.2558C>T), located in coding exon 16 of the ATM gene, results from a C to T substitution at nucleotide position 2558. The serine at codon 853 is replaced by leucine, an amino acid with dissimilar properties. This variant was not reported in population based cohorts in the following databases: Database of Single Nucleotide Polymorphisms (dbSNP), NHLBI Exome Sequencing Project (ESP), and 1000 Genomes Project. In the ESP, this variant was not observed in 6499 samples (12998 alleles) with coverage at this position. To date, this alteration has been detected with an allele frequency of approximately 0.002% (greater than 66000 alleles tested) in our clinical cohort. This amino acid position is well conserved in available vertebrate species. In addition, this alteration is predicted to be tolerated by in silico analysis. Since supporting evidence is limited at this time, the clinical significance of p.S853L remains unclear.

Natera, Inc.
Classification: Uncertain significance for Ataxia-telangiectasia. Last evaluated: 2025-01-10. Review status: no assertion criteria provided. Collection method: clinical testing. Allele origin: germline. Not counted in ClinVar's aggregate classification.